The following is an entry in ClinVar:

ClinVar aggregate classification (germline): Likely benign. Review status: criteria provided, multiple submitters, no conflicts (2 of 4 stars). 2 submissions from 2 submitters: Likely benign (2). Last evaluated 2025-11-05.

Conditions:
Early-infantile DEE. Also called: Early infantile epileptic encephalopathy; Ohtahara syndrome; Early infantile epileptic encephalopathy with suppression bursts. Identifiers: Orphanet 1934, MedGen C0393706, MONDO:0800491.

Allele frequency attached by ClinVar (database versions not stated): gnomAD exomes below 0.00001 and 0.00001; TOPMed below 0.00001; ExAC 0.00004.
gnomAD v4.1: 7 of 1,605,874 alleles (0.00044%); highest among the groups gnomAD compares: East Asian, 0.0022%; no homozygotes.

Submissions (2):

Labcorp Genetics (formerly Invitae), Labcorp
Classification: Likely benign for Early-infantile DEE. Last evaluated: 2025-11-05. Review status: criteria provided, single submitter. Criteria: Invitae Variant Classification Sherloc (09022015). Collection method: clinical testing. Allele origin: germline.

CeGaT Center for Human Genetics Tuebingen
Classification: Likely benign. Last evaluated: 2024-12-01. Review status: criteria provided, single submitter. Criteria: CeGaT Center For Human Genetics Tuebingen Variant Classification Criteria Version 2. Collection method: clinical testing. Allele origin: germline. Affected: yes. Observed: 1 variant allele.
Comment: SCN8A: BP4, BP7

NM_001330260.2(SCN8A):c.1752G>A (p.Ala584=)

Gene: SCN8A (sodium voltage-gated channel alpha subunit 8; plus strand). Cytogenetic location: 12q13.13.
Variant type: single nucleotide variant.
Coding change: c.1752G>A on transcript NM_001330260.2 (MANE Select); coding-DNA position 1752, G replaced by A.
Protein change: p.Ala584=; no amino-acid change (alanine 584 retained).
Molecular consequence: synonymous variant.
Genome position (GRCh38, 1-based): chr12:51,721,662, G>A. VCF-style: chr12-51721662-G-A. GRCh37 (hg19) VCF-style: chr12-52115446-G-A.
Other names: c.1752G>A, p.Ala584= (NM_001177984.3, NM_001369788.1, NM_014191.4).
Identifiers: ClinVar variation 1087405 (VCV001087405.23), dbSNP rs775442359, ClinGen allele CA6571325.